The following is an entry in ClinVar:

ClinVar aggregate classification (germline): Pathogenic (0 of 4 stars; one submission).

Conditions:
Snijders blok-fisher syndrome. Identifiers: Orphanet 656135, MedGen C5231424, MONDO:0032830, OMIM 618604.

Submission:

Department of Genetics, Rouen University Hospital, Normandy Center for Genomic and Personalized Medicine
Classification: Pathogenic for Snijders blok-fisher syndrome. Review status: no assertion criteria provided. Collection method: clinical testing. Allele origin: de novo. Inheritance: Sporadic. Affected: yes. Observed: 1 heterozygote.
Comment: Gene associated with Snijders Blok-Fisher syndrome (OMIM #618604). The variant is absent from the gnomAD database and is predicted to be deleterious by 19/22 bioinformatics tools as assessed on the Varsome website in June 2021. The mutation was not previously reported in the ClinVar database but two other patients harbored distinct missense substitutions mapping to the same codon c.1085G>T, p.(Arg362Leu) (Snijders Blok et al. 2019). This variant is located in one of the two known functional domains of POU3F3: the POU-specific (POU-S) domain where a clustering of missense variants has been reported. POU3F3 encodes a transcription factor belonging to the POU family. It is involved in the regulation of many key processes in central nervous system development, including cortical neuron migration, specification and production of upper layers and neurogenesis. Taken together, the c.1084C>A, p.(Arg362Ser) POU3F3 variant was classified as a pathogenic variant (class 5) according to the ACMG-AMP guidelines (Richards et al.)

NM_006236.3(POU3F3):c.1084C>A (p.Arg362Ser)

Gene: POU3F3 (POU class 3 homeobox 3; plus strand). Cytogenetic location: 2q12.1.
Variant type: single nucleotide variant.
Coding change: c.1084C>A on transcript NM_006236.3 (MANE Select); coding-DNA position 1084, C replaced by A.
Protein change: p.Arg362Ser; replaces arginine 362 with serine.
Molecular consequence: missense variant.
Genome position (GRCh38, 1-based): chr2:104,856,594, C>A. VCF-style: chr2-104856594-C-A. GRCh37 (hg19) VCF-style: chr2-105473052-C-A.
Other names: short protein forms R362S.
Identifiers: ClinVar variation 1301907 (VCV001301907.3), dbSNP rs2104341046, ClinGen allele CA348098162.